The following is an entry in ClinVar:

ClinVar aggregate classification (germline): Likely benign (0 of 4 stars; one submission).

Conditions:
LAMC1-related disorder. Also called: LAMC1-related condition.

Allele frequency attached by ClinVar (database versions not stated): ESP Exome Variant Server 0.00015; gnomAD exomes 0.00039; ExAC 0.00051; TOPMed 0.00052; gnomAD 0.00054; 1000 Genomes Project 0.00080; 1000 Genomes Project 30x 0.00094.
gnomAD v4.1: 662 of 1,614,170 alleles (0.041%); highest among the groups gnomAD compares: Middle Eastern, 0.38%; no homozygotes.

Submission:

PreventionGenetics, part of Exact Sciences
Classification: Likely benign for LAMC1-related condition. Last evaluated: 2019-12-05. Review status: no assertion criteria provided. Collection method: clinical testing. Allele origin: germline.
Comment: This variant is classified as likely benign based on ACMG/AMP sequence variant interpretation guidelines (Richards et al. 2015 PMID: 25741868, with internal and published modifications).

NM_002293.4(LAMC1):c.507C>T (p.Asp169=)

Gene: LAMC1 (laminin subunit gamma 1; plus strand). Cytogenetic location: 1q25.3.
Variant type: single nucleotide variant.
Coding change: c.507C>T on transcript NM_002293.4 (MANE Select); coding-DNA position 507, C replaced by T.
Protein change: p.Asp169=; no amino-acid change (aspartic acid 169 retained).
Molecular consequence: synonymous variant.
Genome position (GRCh38, 1-based): chr1:183,103,416, C>T. VCF-style: chr1-183103416-C-T. GRCh37 (hg19) VCF-style: chr1-183072551-C-T.
Identifiers: ClinVar variation 3048970 (VCV003048970.2), dbSNP rs144662217, ClinGen allele CA1280850.